The following is an entry in ClinVar:

NM_003470.3(USP7):c.1407A>G (p.Leu469=)

Gene: USP7 (ubiquitin specific peptidase 7; minus strand). Cytogenetic location: 16p13.2.
Variant type: single nucleotide variant.
Coding change: c.1407A>G on transcript NM_003470.3 (MANE Select); coding-DNA position 1407, A replaced by G.
Protein change: p.Leu469=; no amino-acid change (leucine 469 retained).
Molecular consequence: synonymous variant. On other transcripts: non-coding transcript variant (1).
Genome position (GRCh38, 1-based): chr16:8,906,447, T>C on the plus strand (A>G on the coding strand, the complement: USP7 is on the minus strand). VCF-style: chr16-8906447-T-C. GRCh37 (hg19) VCF-style: chr16-9000304-T-C.
Other names: p.Leu469=; c.1359A>G, p.Leu453= (NM_001286457.2); c.1110A>G, p.Leu370= (NM_001286458.2); c.1233A>G, p.Leu411= (NM_001321858.2).
Identifiers: ClinVar variation 726816 (VCV000726816.35), dbSNP rs144447086, ClinGen allele CA7895412.
Genomic context (GRCh38, chr16:8,906,447, plus strand): 5'-CTGATGAGCTTGCATTCAGCCCTGGGTCCCACCACTTACTTTGCCATCCCCTTTGGGGTT[T>C]AGATAAACCACATAATGTCCACCATGATTATCTCCACTATGAACCAGGACTGCATGAAGA-3'
Protein context (NP_003461.2, residues 459-479): DNHGGHYVVY[Leu469=]NPKGDGKWCK

ClinVar aggregate classification (germline): Benign/Likely benign. Review status: criteria provided, multiple submitters, no conflicts (2 of 4 stars). 4 submissions from 4 submitters: Benign (2); Likely benign (2). Last evaluated 2025-12-22.

Allele frequency attached by ClinVar (database versions not stated): 1000 Genomes Project 0.00260; 1000 Genomes Project 30x 0.00265; gnomAD 0.00429 and 0.00460; TOPMed 0.00471; ESP Exome Variant Server 0.00493.
gnomAD v4.1: 1,281 of 1,612,196 alleles (0.079%); highest among the groups gnomAD compares: African/African-American, 1.5%; 5 homozygotes.

Submissions (4):

Labcorp Genetics (formerly Invitae), Labcorp
Classification: Benign. Last evaluated: 2025-12-22. Review status: criteria provided, single submitter. Criteria: Invitae Variant Classification Sherloc (09022015). Collection method: clinical testing. Allele origin: germline.

Blueprint Genetics
Classification: Likely benign. Last evaluated: 2024-10-18. Review status: criteria provided, single submitter. Criteria: ACMG Guidelines, 2015. Collection method: clinical testing. Allele origin: germline.

CeGaT Center for Human Genetics Tuebingen
Classification: Likely benign. Last evaluated: 2024-02-01. Review status: criteria provided, single submitter. Criteria: CeGaT Center For Human Genetics Tuebingen Variant Classification Criteria Version 2. Collection method: clinical testing. Allele origin: germline. Affected: yes. Observed: 3 variant alleles.
Comment: USP7: BP4, BP7, BS1

Mayo Clinic Laboratories, Mayo Clinic
Classification: Benign. Last evaluated: 2022-09-12. Review status: criteria provided, single submitter. Criteria: ACMG Guidelines, 2015. Collection method: clinical testing. Allele origin: germline. Observed: 2 variant alleles.
Comment: BS1, BS2, BP4, BP7